The following is an entry in ClinVar:

ClinVar aggregate classification (germline): Likely benign (0 of 4 stars; one submission).

Conditions:
MCHR1-related disorder. Also called: MCHR1-related condition.

Allele frequency attached by ClinVar (database versions not stated): gnomAD 0.00002; TOPMed 0.00003.

Submission:

PreventionGenetics, part of Exact Sciences
Classification: Likely benign for MCHR1-related condition. Last evaluated: 2019-04-05. Review status: no assertion criteria provided. Collection method: clinical testing. Allele origin: germline.
Comment: This variant is classified as likely benign based on ACMG/AMP sequence variant interpretation guidelines (Richards et al. 2015 PMID: 25741868, with internal and published modifications).

NM_005297.4(MCHR1):c.141C>T (p.Phe47=)

Gene: MCHR1 (melanin concentrating hormone receptor 1; plus strand). Cytogenetic location: 22q13.2.
Variant type: single nucleotide variant.
Coding change: c.141C>T on transcript NM_005297.4 (MANE Select); coding-DNA position 141, C replaced by T.
Protein change: p.Phe47=; no amino-acid change (phenylalanine 47 retained).
Molecular consequence: synonymous variant.
Genome position (GRCh38, 1-based): chr22:40,681,007, C>T. VCF-style: chr22-40681007-C-T. GRCh37 (hg19) VCF-style: chr22-41077011-C-T.
Identifiers: ClinVar variation 3046553 (VCV003046553.2), dbSNP rs199847547, ClinGen allele CA10250191.